The following is an entry in ClinVar:

ClinVar aggregate classification (germline): Pathogenic/Likely pathogenic. Review status: criteria provided, multiple submitters, no conflicts (2 of 4 stars). 2 submissions from 2 submitters: Pathogenic (1); Likely pathogenic (1). Last evaluated 2024-10-31.

Conditions:
Familial hypokalemia-hypomagnesemia (GTLMNS). Also called: HYPOMAGNESEMIA-HYPOKALEMIA, PRIMARY RENOTUBULAR, WITH HYPOCALCIURIA; POTASSIUM AND MAGNESIUM DEPLETION; gitelman syndrome. Identifiers: Orphanet 358, MedGen C0268450, MONDO:0009904, OMIM 263800.

Allele frequency attached by ClinVar (database versions not stated): gnomAD exomes below 0.00001.

Submissions (2):

Natera, Inc.
Classification: Likely pathogenic for Gitelman syndrome. Last evaluated: 2024-10-31. Review status: criteria provided, single submitter. Criteria: Natera Variant Classification Schema (03/2026). Collection method: clinical testing. Allele origin: germline.
Comment: The c.1045C>T variant in SLC12A3 is a missense variant predicted to cause substitution of proline to serine at amino acid 349. This variant is rare in the general population with a frequency below the threshold expected for the associated phenotype(s). This variant has been observed in one or more individuals affected with the associated recessive disease, as either homozygous or compound heterozygous with a second variant (PMID: 20810575, 26041598). A different variant at the same position has been determined to be Pathogenic or Likely Pathogenic. Computational prediction algorithms indicate this variant is likely to affect gene or protein function. Given the available evidence, this variant is classified as Likely Pathogenic.

Labcorp Genetics (formerly Invitae), Labcorp
Classification: Pathogenic. Last evaluated: 2023-05-07. Review status: criteria provided, single submitter. Criteria: Invitae Variant Classification Sherloc (09022015). Collection method: clinical testing. Allele origin: germline.
Comment: Advanced modeling of protein sequence and biophysical properties (such as structural, functional, and spatial information, amino acid conservation, physicochemical variation, residue mobility, and thermodynamic stability) performed at Invitae indicates that this missense variant is expected to disrupt SLC12A3 protein function. This missense change has been observed in individuals with Gitelman syndrome (PMID: 20810575, 26041598). This variant disrupts the p.Pro349 amino acid residue in SLC12A3. Other variant(s) that disrupt this residue have been determined to be pathogenic (PMID: 8528245, 8900229, 21415153). This suggests that this residue is clinically significant, and that variants that disrupt this residue are likely to be disease-causing. This variant is not present in population databases (gnomAD no frequency). For these reasons, this variant has been classified as Pathogenic. This sequence change replaces proline, which is neutral and non-polar, with serine, which is neutral and polar, at codon 349 of the SLC12A3 protein (p.Pro349Ser).

Literature cited by the submitters: PubMed 20810575 (cited by Natera, Inc. and Labcorp Genetics (formerly Invitae), Labcorp); PubMed 26041598 (cited by Natera, Inc. and Labcorp Genetics (formerly Invitae), Labcorp); PubMed 8528245 (cited by Labcorp Genetics (formerly Invitae), Labcorp); PubMed 8900229 (cited by Labcorp Genetics (formerly Invitae), Labcorp); PubMed 21415153 (cited by Labcorp Genetics (formerly Invitae), Labcorp).

NM_001126108.2(SLC12A3):c.1045C>T (p.Pro349Ser)

Gene: SLC12A3 (solute carrier family 12 member 3; plus strand). Cytogenetic location: 16q13.
Variant type: single nucleotide variant.
Coding change: c.1045C>T on transcript NM_001126108.2 (MANE Select); coding-DNA position 1045, C replaced by T.
Protein change: p.Pro349Ser; replaces proline 349 with serine.
Molecular consequence: missense variant.
Genome position (GRCh38, 1-based): chr16:56,872,736, C>T. VCF-style: chr16-56872736-C-T. GRCh37 (hg19) VCF-style: chr16-56906648-C-T.
Other names: c.1045C>T (NM_000339.2); c.1045C>T, p.Pro349Ser (NM_000339.3); c.1042C>T, p.Pro348Ser (NM_001126107.2, NM_001410896.1); short protein forms P348S, P349S.
Identifiers: ClinVar variation 2733260 (VCV002733260.4), dbSNP rs1335601482, ClinGen allele CA395983843.